The following is an entry in ClinVar:

ClinVar aggregate classification (germline): Uncertain significance. Review status: criteria provided, multiple submitters, no conflicts (2 of 4 stars). 2 submissions from 2 submitters: Uncertain significance (2). Last evaluated 2022-11-25.

Conditions:
Meckel-Gruber syndrome. Also called: DYSENCEPHALIA SPLANCHNOCYSTICA; GRUBER SYNDROME; Dysencephalia splachnocystica. Identifiers: Orphanet 564, MedGen C0265215, MONDO:0018921.
Joubert syndrome. Also called: JOUBERT-BOLTSHAUSER SYNDROME; Familial aplasia of the vermis. Identifiers: Orphanet 475, MedGen C5979921, MONDO:0018772.

Submissions (2):

Labcorp Genetics (formerly Invitae), Labcorp
Classification: Uncertain significance for Joubert syndrome; Meckel-Gruber syndrome. Last evaluated: 2022-11-25. Review status: criteria provided, single submitter. Criteria: Invitae Variant Classification Sherloc (09022015). Collection method: clinical testing. Allele origin: germline.
Comment: In summary, the available evidence is currently insufficient to determine the role of this variant in disease. Therefore, it has been classified as a Variant of Uncertain Significance. Advanced modeling of protein sequence and biophysical properties (such as structural, functional, and spatial information, amino acid conservation, physicochemical variation, residue mobility, and thermodynamic stability) performed at Invitae indicates that this missense variant is expected to disrupt TCTN2 protein function. ClinVar contains an entry for this variant (Variation ID: 1486497). This variant has not been reported in the literature in individuals affected with TCTN2-related conditions. This variant is not present in population databases (gnomAD no frequency). This sequence change replaces threonine, which is neutral and polar, with proline, which is neutral and non-polar, at codon 471 of the TCTN2 protein (p.Thr471Pro).

Blueprint Genetics
Classification: Uncertain significance. Last evaluated: 2018-11-08. Review status: criteria provided, single submitter. Criteria: ACMG Guidelines, 2015. Collection method: clinical testing. Allele origin: germline.

NM_024809.5(TCTN2):c.1411A>C (p.Thr471Pro)

Gene: TCTN2 (tectonic family member 2; plus strand). Cytogenetic location: 12q24.31.
Variant type: single nucleotide variant.
Coding change: c.1411A>C on transcript NM_024809.5 (MANE Select); coding-DNA position 1411, A replaced by C.
Protein change: p.Thr471Pro; replaces threonine 471 with proline.
Molecular consequence: missense variant.
Genome position (GRCh38, 1-based): chr12:123,697,104, A>C. VCF-style: chr12-123697104-A-C. GRCh37 (hg19) VCF-style: chr12-124181651-A-C.
Other names: c.1408A>C, p.Thr470Pro (NM_001143850.3); short protein forms T471P, T470P.
Identifiers: ClinVar variation 1486497 (VCV001486497.9), dbSNP rs2135849648, ClinGen allele CA387144766.